The following is an entry in ClinVar:

ClinVar aggregate classification (germline): Uncertain significance (1 of 4 stars; one submission).

Submission:

GeneDx
Classification: Uncertain significance. Last evaluated: 2022-08-26. Review status: criteria provided, single submitter. Criteria: GeneDx Variant Classification Process June 2021. Collection method: clinical testing. Allele origin: germline. Affected: yes.
Comment: Not observed at significant frequency in large population cohorts (gnomAD); In silico analysis supports that this missense variant has a deleterious effect on protein structure/function; Has not been previously published as pathogenic or benign to our knowledge

NM_003482.4(KMT2D):c.15533T>A (p.Phe5178Tyr)

Gene: KMT2D (lysine methyltransferase 2D; minus strand). Cytogenetic location: 12q13.12.
Variant type: single nucleotide variant.
Coding change: c.15533T>A on transcript NM_003482.4 (MANE Select); coding-DNA position 15533, T replaced by A.
Protein change: p.Phe5178Tyr; replaces phenylalanine 5178 with tyrosine.
Molecular consequence: missense variant.
Genome position (GRCh38, 1-based): chr12:49,026,433, A>T on the plus strand (T>A on the coding strand, the complement: KMT2D is on the minus strand). VCF-style: chr12-49026433-A-T. GRCh37 (hg19) VCF-style: chr12-49420216-A-T.
Other names: short protein forms F5178Y.
Identifiers: ClinVar variation 2430916 (VCV002430916.1), dbSNP rs2137716047, ClinGen allele CA384687118.